The following is an entry in ClinVar:

NM_005188.4(CBL):c.2428A>C (p.Thr810Pro)

Gene: CBL (Cbl proto-oncogene; plus strand). Cytogenetic location: 11q23.3.
Variant type: single nucleotide variant.
Coding change: c.2428A>C on transcript NM_005188.4 (MANE Select); coding-DNA position 2428, A replaced by C.
Protein change: p.Thr810Pro; replaces threonine 810 with proline.
Molecular consequence: missense variant.
Genome position (GRCh38, 1-based): chr11:119,298,534, A>C. VCF-style: chr11-119298534-A-C. GRCh37 (hg19) VCF-style: chr11-119169244-A-C.
Other names: short protein forms T810P.
Identifiers: ClinVar variation 3995979 (VCV003995979.1).

ClinVar aggregate classification (germline): Uncertain significance (1 of 4 stars; one submission).

Conditions:
Cardiovascular phenotype. Identifiers: MedGen CN230736.

gnomAD v4.1: 1 of 1,613,974 alleles (0.000062%); highest among the groups gnomAD compares: Non-Finnish European, 0.000085%; no homozygotes.

Submission:

Ambry Genetics
Classification: Uncertain significance for Cardiovascular phenotype. Last evaluated: 2025-03-22. Review status: criteria provided, single submitter. Criteria: Ambry Variant Classification Scheme 2023. Collection method: clinical testing. Allele origin: germline.
Comment: The p.T810P variant (also known as c.2428A>C), located in coding exon 15 of the CBL gene, results from an A to C substitution at nucleotide position 2428. The threonine at codon 810 is replaced by proline, an amino acid with highly similar properties. This amino acid position is conserved. In addition, this alteration is predicted to be tolerated by in silico analysis. Based on the available evidence, the clinical significance of this variant remains unclear.